The following is an entry in ClinVar:

ClinVar aggregate classification (germline): Likely benign (0 of 4 stars; one submission).

Conditions:
AFF4-related disorder. Also called: AFF4-related condition.

Submission:

PreventionGenetics, part of Exact Sciences
Classification: Likely benign for AFF4-related condition. Last evaluated: 2024-09-06. Review status: no assertion criteria provided. Collection method: clinical testing. Allele origin: germline.
Comment: This variant is classified as likely benign based on ACMG/AMP sequence variant interpretation guidelines (Richards et al. 2015 PMID: 25741868, with internal and published modifications).

NM_014423.4(AFF4):c.991C>T (p.Leu331=)

Gene: AFF4 (ALF transcription elongation factor 4; minus strand). Cytogenetic location: 5q31.1.
Variant type: single nucleotide variant.
Coding change: c.991C>T on transcript NM_014423.4 (MANE Select); coding-DNA position 991, C replaced by T.
Protein change: p.Leu331=; no amino-acid change (leucine 331 retained).
Molecular consequence: synonymous variant.
Genome position (GRCh38, 1-based): chr5:132,927,180, G>A on the plus strand (C>T on the coding strand, the complement: AFF4 is on the minus strand). VCF-style: chr5-132927180-G-A. GRCh37 (hg19) VCF-style: chr5-132262872-G-A.
Identifiers: ClinVar variation 3346422 (VCV003346422.1).